The following is an entry in ClinVar:

ClinVar aggregate classification (germline): Likely benign. Review status: criteria provided, multiple submitters, no conflicts (2 of 4 stars). 2 submissions from 2 submitters: Likely benign (2). Last evaluated 2026-08-01.

Conditions:
TEFM-related condition.

gnomAD v4.1: 312 of 1,500,652 alleles (0.021%); highest among the groups gnomAD compares: Middle Eastern, 0.14%; no homozygotes.

Submissions (2):

CeGaT Center for Human Genetics Tuebingen
Classification: Likely benign. Last evaluated: 2026-08-01. Review status: criteria provided, single submitter. Criteria: CeGaT Center For Human Genetics Tuebingen Variant Classification Criteria Version 2. Collection method: clinical testing. Allele origin: germline. Affected: yes. Observed: 1 variant allele.
Comment: TEFM: BP4, BP7

PreventionGenetics, part of Exact Sciences
Classification: Likely benign for TEFM-related condition. Last evaluated: 2025-02-10. Review status: criteria provided, single submitter. Criteria: ACMG Guidelines, 2015. Collection method: clinical testing. Allele origin: germline.
Comment: This variant is classified as likely benign based on ACMG/AMP sequence variant interpretation guidelines (Richards et al. 2015 PMID: 25741868, with internal and published modifications).

NM_024683.4(TEFM):c.654G>A (p.Ser218=)

Gene: TEFM (transcription elongation factor, mitochondrial; minus strand). Cytogenetic location: 17q11.2.
Variant type: single nucleotide variant.
Coding change: c.654G>A on transcript NM_024683.4 (MANE Select); coding-DNA position 654, G replaced by A.
Protein change: p.Ser218=; no amino-acid change (serine 218 retained).
Molecular consequence: synonymous variant.
Genome position (GRCh38, 1-based): chr17:30,899,598, C>T on the plus strand (G>A on the coding strand, the complement: TEFM is on the minus strand). VCF-style: chr17-30899598-C-T. GRCh37 (hg19) VCF-style: chr17-29226616-C-T.
Identifiers: ClinVar variation 4984457 (VCV004984457.2).